The following is an entry in ClinVar:

NM_000883.4(IMPDH1):c.936GAA[2] (p.Lys314del)

Gene: IMPDH1 (inosine monophosphate dehydrogenase 1; minus strand). Cytogenetic location: 7q32.1.
Variant type: Microsatellite.
Coding change: c.936GAA[2] on transcript NM_000883.4 (MANE Select); two copies in a row of the 3-base unit GAA starting at c.936; the reference has three copies in a row; one copy, 3 bases deleted; also written c.942_944del.
Protein change: p.Lys314del; deletes lysine 314.
Molecular consequence: inframe deletion.
Genome position (GRCh38, 1-based): chr7:128,398,544-128,398,546, TTC deleted on the plus strand (GAA on the coding strand, the reverse complement: IMPDH1 is on the minus strand); deleting any 3 consecutive bases within chr7:128,398,544-128,398,552 gives the same sequence; the position shown is the placement nearest the transcript's 3' end. VCF-style (leftmost placement, unchanged base first): chr7-128398543-GTTC-G. GRCh37 (hg19) VCF-style: chr7-128038597-GTTC-G.
Other names: c.942_944del (NM_000883.4, NM_000883.3); c.906GAA[2], p.Lys304del (NM_001102605.2); c.681GAA[2], p.Lys229del (NM_001142573.2); c.666GAA[2], p.Lys224del (NM_001142574.2); c.606GAA[2], p.Lys204del (NM_001142575.2); c.837GAA[2], p.Lys281del (NM_001142576.2); c.729GAA[2], p.Lys245del (NM_001304521.2); c.828GAA[2], p.Lys278del (NM_183243.3); short protein forms K314del, K224del, K229del, K204del, K245del, K278del, K281del, K304del.
Identifiers: ClinVar variation 493464 (VCV000493464.41), dbSNP rs1554414710, ClinGen allele CA658683499.

ClinVar aggregate classification (germline): Conflicting classifications of pathogenicity. Review status: criteria provided, conflicting classifications (1 of 4 stars). 6 submissions from 6 submitters: Pathogenic (3); Likely pathogenic (2); Uncertain significance (1). Last evaluated 2025-12-03.

Conditions:
IMPDH1-related disorder. Also called: IMPDH1-related disorders; IMPDH1-related condition.
Retinal dystrophy. Also called: Inherited retinal dystrophy. Identifiers: Orphanet 71862, MedGen C0854723, MeSH D058499, MONDO:0019118, HP:0000556.
Retinitis pigmentosa 10 (RP10). Identifiers: Orphanet 791, MedGen C1867299, MONDO:0008379, OMIM 180105.

Submissions (6):

Labcorp Genetics (formerly Invitae), Labcorp
Classification: Pathogenic. Last evaluated: 2025-12-03. Review status: criteria provided, single submitter. Criteria: Invitae Variant Classification Sherloc (09022015). Collection method: clinical testing. Allele origin: germline.
Comment: This variant, c.942_944del, results in the deletion of 1 amino acid(s) of the IMPDH1 protein (p.Lys314del), but otherwise preserves the integrity of the reading frame. This variant is not present in population databases (gnomAD no frequency). This variant has been observed in individuals with retinitis pigmentosa (PMID: 23591405, 24791140, 32100970). It has also been observed to segregate with disease in related individuals. ClinVar contains an entry for this variant (Variation ID: 493464). For these reasons, this variant has been classified as Pathogenic.

GeneDx
Classification: Pathogenic. Last evaluated: 2025-02-05. Review status: criteria provided, single submitter. Criteria: GeneDx Variant Classification Process June 2021. Collection method: clinical testing. Allele origin: germline. Affected: yes.
Comment: Identified as a de novo variant with confirmed parentage in the published literature with an IMPDH1-related disorder and as an apparently de novo variant in the published literature with an IMPDH1-related disorder (PMID: 37558662, 36729443); Identified in patients with IMPDH1-related disorders in published literature (PMID: 23591405, 32100970); In-frame deletion of 1 amino acid(s) in a non-repeat region; Not observed at significant frequency in large population cohorts (gnomAD); In silico analysis supports a deleterious effect on protein structure/function; This variant is associated with the following publications: (PMID: 37558662, 36729443, 24791140, 32037395, 31429209, 23591405, 32100970)

Blueprint Genetics
Classification: Pathogenic for IMPDH1-related disorders. Last evaluated: 2022-11-15. Review status: criteria provided, single submitter. Criteria: ACMG Guidelines, 2015. Collection method: clinical testing. Allele origin: germline. Affected: yes. Observed: 5 variant alleles.

CeGaT Center for Human Genetics Tuebingen
Classification: Likely pathogenic. Last evaluated: 2022-03-01. Review status: criteria provided, single submitter. Criteria: CeGaT Center For Human Genetics Tuebingen Variant Classification Criteria Version 2. Collection method: clinical testing. Allele origin: germline. Affected: yes. Observed: 2 variant alleles.
Comment: IMPDH1: PM1, PM2, PP1:Moderate, PS4:Moderate, PM4:Supporting

Institute of Human Genetics, University of Leipzig Medical Center
Classification: Uncertain significance for Retinitis pigmentosa 10. Last evaluated: 2022-02-01. Review status: criteria provided, single submitter. Criteria: ACMG Guidelines, 2015. Collection method: clinical testing. Allele origin: unknown. Affected: yes.
Comment: _x000D_ Criteria applied: PS4_MOD, PM2_SUP, PM4_SUP

Institute of Human Genetics, Univ. Regensburg, Univ. Regensburg
Classification: Likely pathogenic for Retinal dystrophy. Last evaluated: 2021-01-01. Review status: criteria provided, single submitter. Criteria: ACMG Guidelines, 2015. Collection method: clinical testing. Allele origin: germline. Affected: yes.

Literature cited by the submitters: PubMed 23591405 (cited by Labcorp Genetics (formerly Invitae), Labcorp and Institute of Human Genetics, Univ. Regensburg, Univ. Regensburg); PubMed 24791140 (cited by Labcorp Genetics (formerly Invitae), Labcorp); PubMed 32100970 (cited by Labcorp Genetics (formerly Invitae), Labcorp and Institute of Human Genetics, Univ. Regensburg, Univ. Regensburg); PubMed 31429209 (cited by Institute of Human Genetics, Univ. Regensburg, Univ. Regensburg); PubMed 32037395 (cited by Institute of Human Genetics, Univ. Regensburg, Univ. Regensburg).